The following is an entry in ClinVar:

NM_004629.2(FANCG):c.54A>C (p.Glu18Asp)

Gene: FANCG (FA complementation group G; minus strand). Cytogenetic location: 9p13.3.
Variant type: single nucleotide variant.
Coding change: c.54A>C on transcript NM_004629.2 (MANE Select); coding-DNA position 54, A replaced by C.
Protein change: p.Glu18Asp; replaces glutamic acid 18 with aspartic acid.
Molecular consequence: missense variant.
Genome position (GRCh38, 1-based): chr9:35,079,471, T>G on the plus strand (A>C on the coding strand, the complement: FANCG is on the minus strand). VCF-style: chr9-35079471-T-G. GRCh37 (hg19) VCF-style: chr9-35079468-T-G.
Other names: short protein forms E18D.
Identifiers: ClinVar variation 574487 (VCV000574487.8), dbSNP rs1563987701, ClinGen allele CA373315956.

ClinVar aggregate classification (germline): Uncertain significance (1 of 4 stars; one submission).

Conditions:
Fanconi anemia (FA). Also called: Fanconi's anemia. Identifiers: Orphanet 84, MedGen C0015625, MeSH D005199, MONDO:0019391.

Submission:

Labcorp Genetics (formerly Invitae), Labcorp
Classification: Uncertain significance for Fanconi anemia. Last evaluated: 2021-02-19. Review status: criteria provided, single submitter. Criteria: Invitae Variant Classification Sherloc (09022015). Collection method: clinical testing. Allele origin: germline.
Comment: In summary, the available evidence is currently insufficient to determine the role of this variant in disease. Therefore, it has been classified as a Variant of Uncertain Significance. Algorithms developed to predict the effect of missense changes on protein structure and function output the following: SIFT: "Tolerated"; PolyPhen-2: "Benign"; Align-GVGD: "Class C0". The aspartic acid amino acid residue is found in multiple mammalian species, suggesting that this missense change does not adversely affect protein function. These predictions have not been confirmed by published functional studies and their clinical significance is uncertain. This variant has not been reported in the literature in individuals with FANCG-related conditions. This variant is not present in population databases (ExAC no frequency). This sequence change replaces glutamic acid with aspartic acid at codon 18 of the FANCG protein (p.Glu18Asp). The glutamic acid residue is moderately conserved and there is a small physicochemical difference between glutamic acid and aspartic acid.